The following is an entry in ClinVar:

ClinVar aggregate classification (germline): Uncertain significance. Review status: criteria provided, multiple submitters, no conflicts (2 of 4 stars). 2 submissions from 2 submitters: Uncertain significance (2). Last evaluated 2025-08-07.

Allele frequency attached by ClinVar (database versions not stated): ExAC 0.00002; gnomAD 0.00003; TOPMed 0.00003; gnomAD exomes 0.00008.
gnomAD v4.1: 123 of 1,613,934 alleles (0.0076%); highest among the groups gnomAD compares: Non-Finnish European, 0.01%; no homozygotes.

Submissions (2):

Ambry Genetics
Classification: Uncertain significance. Last evaluated: 2025-08-07. Review status: criteria provided, single submitter. Criteria: Ambry Variant Classification Scheme 2023. Collection method: clinical testing. Allele origin: germline.

Labcorp Genetics (formerly Invitae), Labcorp
Classification: Uncertain significance. Last evaluated: 2021-12-12. Review status: criteria provided, single submitter. Criteria: Invitae Variant Classification Sherloc (09022015). Collection method: clinical testing. Allele origin: germline.
Comment: This sequence change replaces phenylalanine, which is neutral and non-polar, with leucine, which is neutral and non-polar, at codon 741 of the LOXL3 protein (p.Phe741Leu). This variant is present in population databases (rs766127175, gnomAD 0.004%). This variant has not been reported in the literature in individuals affected with LOXL3-related conditions. Algorithms developed to predict the effect of missense changes on protein structure and function are either unavailable or do not agree on the potential impact of this missense change (SIFT: "Deleterious"; PolyPhen-2: "Benign"; Align-GVGD: "Class C0"). Algorithms developed to predict the effect of sequence changes on RNA splicing suggest that this variant may create or strengthen a splice site. In summary, the available evidence is currently insufficient to determine the role of this variant in disease. Therefore, it has been classified as a Variant of Uncertain Significance.

NM_032603.5(LOXL3):c.2223T>A (p.Phe741Leu)

Gene: LOXL3 (lysyl oxidase like 3; minus strand). Cytogenetic location: 2p13.1.
Variant type: single nucleotide variant.
Coding change: c.2223T>A on transcript NM_032603.5 (MANE Select); coding-DNA position 2223, T replaced by A.
Protein change: p.Phe741Leu; replaces phenylalanine 741 with leucine.
Molecular consequence: missense variant.
Genome position (GRCh38, 1-based): chr2:74,533,645, A>T on the plus strand (T>A on the coding strand, the complement: LOXL3 is on the minus strand). VCF-style: chr2-74533645-A-T. GRCh37 (hg19) VCF-style: chr2-74760772-A-T.
Other names: c.1788T>A, p.Phe596Leu (NM_001289164.3); c.1140T>A, p.Phe380Leu (NM_001289165.2); c.2223T>A (NM_032603.2); short protein forms F380L, F596L, F741L.
Identifiers: ClinVar variation 2040869 (VCV002040869.2), dbSNP rs766127175, ClinGen allele CA1728661.